The following is an entry in ClinVar:

NM_000301.5(PLG):c.1188G>C (p.Lys396Asn)

Gene: PLG (plasminogen; plus strand). Cytogenetic location: 6q26.
Variant type: single nucleotide variant.
Coding change: c.1188G>C on transcript NM_000301.5 (MANE Select); coding-DNA position 1188, G replaced by C.
Protein change: p.Lys396Asn; replaces lysine 396 with asparagine.
Molecular consequence: missense variant.
Genome position (GRCh38, 1-based): chr6:160,722,499, G>C. VCF-style: chr6-160722499-G-C. GRCh37 (hg19) VCF-style: chr6-161143531-G-C.
Other names: short protein forms K396N.
Identifiers: ClinVar variation 2831422 (VCV002831422.3), dbSNP rs969828765, ClinGen allele CA151222220.
Genomic context (GRCh38, chr6:160,722,499, plus strand): 5'-CTGCTACCATGGTGATGGACAGAGCTACCGAGGCACATCCTCCACCACCACCACAGGAAA[G>C]AAGTGTCAGTCTTGGTCATCTATGACACCACACCGGCACCAGAAGACCCCAGAAAACTAC-3'
Protein context (NP_000292.1, residues 386-406): RGTSSTTTTG[Lys396Asn]KCQSWSSMTP

ClinVar aggregate classification (germline): Uncertain significance (1 of 4 stars; one submission).

gnomAD v4.1: 1 of 1,613,882 alleles (0.000062%); highest among the groups gnomAD compares: Non-Finnish European, 0.000085%; no homozygotes.

Submission:

Labcorp Genetics (formerly Invitae), Labcorp
Classification: Uncertain significance. Last evaluated: 2023-11-22. Review status: criteria provided, single submitter. Criteria: Invitae Variant Classification Sherloc (09022015). Collection method: clinical testing. Allele origin: germline.
Comment: This sequence change replaces lysine, which is basic and polar, with asparagine, which is neutral and polar, at codon 396 of the PLG protein (p.Lys396Asn). This variant is not present in population databases (gnomAD no frequency). This variant has not been reported in the literature in individuals affected with PLG-related conditions. Advanced modeling of protein sequence and biophysical properties (such as structural, functional, and spatial information, amino acid conservation, physicochemical variation, residue mobility, and thermodynamic stability) performed at Invitae indicates that this missense variant is not expected to disrupt PLG protein function with a negative predictive value of 80%. In summary, the available evidence is currently insufficient to determine the role of this variant in disease. Therefore, it has been classified as a Variant of Uncertain Significance.